The following is an entry in ClinVar:

ClinVar aggregate classification (germline): Likely benign. Review status: criteria provided, multiple submitters, no conflicts (2 of 4 stars). 2 submissions from 2 submitters: Likely benign (2). Last evaluated 2025-04-02.

Conditions:
LRP5-related disorder. Also called: LRP5-related condition.

gnomAD v4.1: 16 of 1,614,102 alleles (0.00099%); highest among the groups gnomAD compares: Non-Finnish European, 0.0014%; no homozygotes.

Submissions (2):

PreventionGenetics, part of Exact Sciences
Classification: Likely benign for LRP5-related condition. Last evaluated: 2025-04-02. Review status: criteria provided, single submitter. Criteria: ACMG Guidelines, 2015. Collection method: clinical testing. Allele origin: germline.
Comment: This variant is classified as likely benign based on ACMG/AMP sequence variant interpretation guidelines (Richards et al. 2015 PMID: 25741868, with internal and published modifications).

Blueprint Genetics
Classification: Likely benign. Last evaluated: 2024-04-22. Review status: criteria provided, single submitter. Criteria: ACMG Guidelines, 2015. Collection method: clinical testing. Allele origin: germline.

NM_002335.4(LRP5):c.1413-5T>C

Gene: LRP5 (LDL receptor related protein 5; plus strand). Cytogenetic location: 11q13.2.
Variant type: single nucleotide variant.
Coding change: c.1413-5T>C on transcript NM_002335.4 (MANE Select); 5 bases into the intron before coding-DNA position 1413, T replaced by C.
Molecular consequence: intron variant.
Genome position (GRCh38, 1-based): chr11:68,389,876, T>C. VCF-style: chr11-68389876-T-C. GRCh37 (hg19) VCF-style: chr11-68157344-T-C.
Other names: c.-354+3164T>C (NM_001291902.2); c.1413-5T>C (NM_002335.3).
Identifiers: ClinVar variation 4912731 (VCV004912731.2).
Genomic context (GRCh38, chr11:68,389,876, plus strand): 5'-GGCACTGGGGATGCTGCAGAGACCAGACAGACTCATGGGGTCATGGACTTCTGCTTCTTC[T>C]CCAGCCTCATGTACTGGACAGACTGGGGAGAGAACCCTAAAATCGAGTGTGCCAACTTGG-3'